The following is an entry in ClinVar:

ClinVar aggregate classification (germline): Uncertain significance (1 of 4 stars; one submission).

Conditions:
Cystic fibrosis (CF). Also called: MUCOVISCIDOSIS. Identifiers: Orphanet 586, MedGen C0010674, MONDO:0009061, OMIM 219700. Disease mechanism: loss of function.

Submission:

Ambry Genetics
Classification: Uncertain significance for Cystic fibrosis. Last evaluated: 2025-11-05. Review status: criteria provided, single submitter. Criteria: Ambry Variant Classification Scheme 2023. Collection method: clinical testing. Allele origin: germline.
Comment: The p.D729N variant (also known as c.2185G>A), located in coding exon 14 of the CFTR gene, results from a G to A substitution at nucleotide position 2185. The aspartic acid at codon 729 is replaced by asparagine, an amino acid with highly similar properties. This amino acid position is conserved. In addition, this alteration is predicted to be tolerated by in silico analysis. Based on the available evidence, the clinical significance of this variant remains unclear.

NM_000492.4(CFTR):c.2185G>A (p.Asp729Asn)

Gene: CFTR (CF transmembrane conductance regulator; plus strand). Cytogenetic location: 7q31.2.
Variant type: single nucleotide variant.
Coding change: c.2185G>A on transcript NM_000492.4 (MANE Select); coding-DNA position 2185, G replaced by A.
Protein change: p.Asp729Asn; replaces aspartic acid 729 with asparagine.
Molecular consequence: missense variant.
Genome position (GRCh38, 1-based): chr7:117,592,352, G>A. VCF-style: chr7-117592352-G-A. GRCh37 (hg19) VCF-style: chr7-117232406-G-A.
Other names: short protein forms D729N.
Identifiers: ClinVar variation 4645572 (VCV004645572.1).